The following is an entry in ClinVar:

ClinVar aggregate classification (germline): Likely benign (0 of 4 stars; one submission).

Conditions:
ARFGEF3-related disorder. Also called: ARFGEF3-related condition.

Allele frequency attached by ClinVar (database versions not stated): TOPMed below 0.00001; gnomAD 0.00005; ExAC 0.00011; 1000 Genomes Project 30x 0.00016; 1000 Genomes Project 0.00020.
gnomAD v4.1: 83 of 1,613,274 alleles (0.0051%); highest among the groups gnomAD compares: South Asian, 0.015%; 1 homozygote.

Submission:

PreventionGenetics, part of Exact Sciences
Classification: Likely benign for ARFGEF3-related condition. Last evaluated: 2019-07-12. Review status: no assertion criteria provided. Collection method: clinical testing. Allele origin: germline.
Comment: This variant is classified as likely benign based on ACMG/AMP sequence variant interpretation guidelines (Richards et al. 2015 PMID: 25741868, with internal and published modifications).

NM_020340.5(ARFGEF3):c.4770C>T (p.Tyr1590=)

Gene: ARFGEF3 (ARFGEF family member 3; plus strand). Cytogenetic location: 6q24.1.
Variant type: single nucleotide variant.
Coding change: c.4770C>T on transcript NM_020340.5 (MANE Select); coding-DNA position 4770, C replaced by T.
Protein change: p.Tyr1590=; no amino-acid change (tyrosine 1590 retained).
Molecular consequence: synonymous variant.
Genome position (GRCh38, 1-based): chr6:138,323,674, C>T. VCF-style: chr6-138323674-C-T. GRCh37 (hg19) VCF-style: chr6-138644811-C-T.
Identifiers: ClinVar variation 3049900 (VCV003049900.2), dbSNP rs372436028, ClinGen allele CA4021462.